The following is an entry in ClinVar:

ClinVar aggregate classification (germline): Uncertain significance (0 of 4 stars; one submission).

Conditions:
PLXNA2-related disorder. Also called: PLXNA2-related condition.

gnomAD v4.1: 1 of 1,614,086 alleles (0.000062%); highest among the groups gnomAD compares: Non-Finnish European, 0.000085%; no homozygotes.

Submission:

PreventionGenetics, part of Exact Sciences
Classification: Uncertain significance for PLXNA2-related condition. Last evaluated: 2024-07-08. Review status: no assertion criteria provided. Collection method: clinical testing. Allele origin: germline.
Comment: The PLXNA2 c.4108C>T variant is predicted to result in the amino acid substitution p.Arg1370Cys. To our knowledge, this variant has not been reported in the literature. This variant is reported in 0.00088% of alleles in individuals of European (Non-Finnish) descent in gnomAD. At this time, the clinical significance of this variant is uncertain due to the absence of conclusive functional and genetic evidence.

NM_025179.4(PLXNA2):c.4108C>T (p.Arg1370Cys)

Gene: PLXNA2 (plexin A2; minus strand). Cytogenetic location: 1q32.2.
Variant type: single nucleotide variant.
Coding change: c.4108C>T on transcript NM_025179.4 (MANE Select); coding-DNA position 4108, C replaced by T.
Protein change: p.Arg1370Cys; replaces arginine 1370 with cysteine.
Molecular consequence: missense variant.
Genome position (GRCh38, 1-based): chr1:208,042,276, G>A on the plus strand (C>T on the coding strand, the complement: PLXNA2 is on the minus strand). VCF-style: chr1-208042276-G-A. GRCh37 (hg19) VCF-style: chr1-208215621-G-A.
Other names: short protein forms R1370C.
Identifiers: ClinVar variation 3356364 (VCV003356364.1).
Genomic context (GRCh38, chr1:208,042,276, plus strand): 5'-TGAGCGAAGCCACGTTGCCCCGGTCGCGCATGGAGAAACTGCGCTGCAGCTCCAGGGTGC[G>A]GATGAAGGTCAGCAGGAACACCTTGTTGTTGATGAGCTGGGCAAAGAGCTTCAGGGCCTT-3'
Protein context (NP_079455.3, residues 1360-1380): NNKVFLLTFI[Arg1370Cys]TLELQRSFSM